The following is an entry in ClinVar:

ClinVar aggregate classification (germline): Likely benign (1 of 4 stars; one submission).

Allele frequency attached by ClinVar (database versions not stated): 1000 Genomes Project 30x 0.00156; 1000 Genomes Project 0.00160; TOPMed 0.00450; ESP Exome Variant Server 0.00515; gnomAD 0.00584; gnomAD exomes 0.00622; ExAC 0.00634.
gnomAD v4.1: 9,543 of 1,557,714 alleles (0.61%); highest among the groups gnomAD compares: Non-Finnish European, 0.64%; 57 homozygotes.

Submission:

CeGaT Center for Human Genetics Tuebingen
Classification: Likely benign. Last evaluated: 2023-02-01. Review status: criteria provided, single submitter. Criteria: CeGaT Center For Human Genetics Tuebingen Variant Classification Criteria Version 2. Collection method: clinical testing. Allele origin: germline. Affected: yes. Observed: 1 variant allele.
Comment: HKDC1: BS2

NM_025130.4(HKDC1):c.1276C>T (p.Arg426Cys)

Gene: HKDC1 (hexokinase domain containing 1; plus strand). Cytogenetic location: 10q22.1.
Variant type: single nucleotide variant.
Coding change: c.1276C>T on transcript NM_025130.4 (MANE Select); coding-DNA position 1276, C replaced by T.
Protein change: p.Arg426Cys; replaces arginine 426 with cysteine.
Molecular consequence: missense variant.
Genome position (GRCh38, 1-based): chr10:69,248,434, C>T. VCF-style: chr10-69248434-C-T. GRCh37 (hg19) VCF-style: chr10-71008190-C-T.
Other names: short protein forms R426C.
Identifiers: ClinVar variation 2640545 (VCV002640545.24), dbSNP rs148832840, ClinGen allele CA5531486.